The following is an entry in ClinVar:

NM_001367624.2(ZNF469):c.4557G>A (p.Ser1519=)

Gene: ZNF469 (zinc finger protein 469; plus strand). Cytogenetic location: 16q24.2.
Variant type: single nucleotide variant.
Coding change: c.4557G>A on transcript NM_001367624.2 (MANE Select); coding-DNA position 4557, G replaced by A.
Protein change: p.Ser1519=; no amino-acid change (serine 1519 retained).
Molecular consequence: synonymous variant.
Genome position (GRCh38, 1-based): chr16:88,432,027, G>A. VCF-style: chr16-88432027-G-A. GRCh37 (hg19) VCF-style: chr16-88498435-G-A.
Other names: NM_001127464.1:c.4473G>A; NM_001127464.2:c.4473G>A.
Identifiers: ClinVar variation 1740844 (VCV001740844.8), dbSNP rs750183688, ClinGen allele CA8224975.

ClinVar aggregate classification (germline): Likely benign. Review status: criteria provided, multiple submitters, no conflicts (2 of 4 stars). 3 submissions from 3 submitters: Likely benign (3). Last evaluated 2026-09-18.

Conditions:
ZNF469-related disorder. Also called: ZNF469-related condition.
Cardiovascular phenotype. Identifiers: MedGen CN230736.

Allele frequency attached by ClinVar (database versions not stated): ExAC 0.00010.
gnomAD v4.1: 57 of 1,550,100 alleles (0.0037%); highest among the groups gnomAD compares: Admixed American, 0.018%; no homozygotes.

Submissions (3):

PreventionGenetics, part of Exact Sciences
Classification: Likely benign for ZNF469-related condition. Last evaluated: 2026-09-18. Review status: criteria provided, single submitter. Criteria: ACMG Guidelines, 2015. Collection method: clinical testing. Allele origin: germline.
Comment: This variant is classified as likely benign based on ACMG/AMP sequence variant interpretation guidelines (Richards et al. 2015 PMID: 25741868, with internal and published modifications).

Labcorp Genetics (formerly Invitae), Labcorp
Classification: Likely benign. Last evaluated: 2025-10-12. Review status: criteria provided, single submitter. Criteria: Invitae Variant Classification Sherloc (09022015). Collection method: clinical testing. Allele origin: germline.

Ambry Genetics
Classification: Likely benign for Cardiovascular phenotype. Last evaluated: 2022-02-17. Review status: criteria provided, single submitter. Criteria: Ambry Variant Classification Scheme 2023. Collection method: clinical testing. Allele origin: germline.